The following is an entry in ClinVar:

NM_002547.3(OPHN1):c.-2C>T

Gene: OPHN1 (oligophrenin 1; minus strand). Cytogenetic location: Xq12.
Variant type: single nucleotide variant.
Coding change: c.-2C>T on transcript NM_002547.3 (MANE Select); 2 bases upstream of the start codon, C replaced by T.
Molecular consequence: 5 prime UTR variant.
Genome position (GRCh38, 1-based): chrX:68,433,022, G>A on the plus strand (C>T on the coding strand, the complement: OPHN1 is on the minus strand). VCF-style: chrX-68433022-G-A. GRCh37 (hg19) VCF-style: chrX-67652864-G-A.
Identifiers: ClinVar variation 2499856 (VCV002499856.1), dbSNP rs2078893687, ClinGen allele CA2435414712.
Genomic context (GRCh38, chrX:68,433,022, plus strand): 5'-TCGCGGAAATCGGGGCTGTCCAGGTAGCAGTCGCTGAACTCCAGCGGGGGATGACCCATG[G>A]TTCTGATGGCCGGGAGTAGGGGGAAAGGGGAAAGACACAAAGACCGAGAGCATCAATGGC-3'

ClinVar aggregate classification (germline): Uncertain significance (1 of 4 stars; one submission).

Submission:

GeneDx
Classification: Uncertain significance. Last evaluated: 2022-10-21. Review status: criteria provided, single submitter. Criteria: GeneDx Variant Classification Process June 2021. Collection method: clinical testing. Allele origin: germline. Affected: yes.
Comment: Not observed at significant frequency in large population cohorts (gnomAD); Has not been previously published as pathogenic or benign to our knowledge; In silico analysis is inconclusive as to whether the variant alters gene splicing. In the absence of RNA/functional studies, the actual effect of this sequence change is unknown.